The following is an entry in ClinVar:

NM_144585.4(SLC22A12):c.650C>T (p.Thr217Met)

Gene: SLC22A12 (solute carrier family 22 member 12; plus strand). Cytogenetic location: 11q13.1.
Variant type: single nucleotide variant.
Coding change: c.650C>T on transcript NM_144585.4 (MANE Select); coding-DNA position 650, C replaced by T.
Protein change: p.Thr217Met; replaces threonine 217 with methionine.
Molecular consequence: missense variant. On other transcripts: intron variant (3).
Genome position (GRCh38, 1-based): chr11:64,593,548, C>T. VCF-style: chr11-64593548-C-T. GRCh37 (hg19) VCF-style: chr11-64361020-C-T.
Other names: c.560-87C>T (NM_001276326.2); c.506+666C>T (NM_001276327.2); c.-2-87C>T (NM_153378.3); short protein forms T217M.
Identifiers: ClinVar variation 3513 (VCV000003513.12), dbSNP rs121907893, ClinGen allele CA116314.
Genomic context (GRCh38, chr11:64,593,548, plus strand): 5'-CCGTGTACTGCCTGTTCCGCTTCCTGTTGGCCTTTGCCGTGGCAGGCGTCATGATGAACA[C>T]GGGCACTCTCCGTAGGTCTCTGACCTGGCGCCATGCAGGGGGGCTCCATGCAGGCTCCAG-3'
Protein context (NP_653186.2, residues 207-227): AFAVAGVMMN[Thr217Met]GTLLMEWTAA

ClinVar aggregate classification (germline): Pathogenic/Likely pathogenic. Review status: criteria provided, multiple submitters, no conflicts (2 of 4 stars). 4 submissions from 4 submitters: Pathogenic (1); Likely pathogenic (2). 1 of the submissions does not count toward it. Last evaluated 2026-01-05.

Conditions:
Dalmatian hypouricemia (RHUC1). Identifiers: MedGen C0473219, MONDO:0020728, OMIM 220150.

Allele frequency attached by ClinVar (database versions not stated): TOPMed 0.00009; ExAC 0.00003; gnomAD exomes 0.00005; gnomAD 0.00004.
gnomAD v4.1: 32 of 1,614,066 alleles (0.002%); highest among the groups gnomAD compares: East Asian, 0.027%; no homozygotes.

Submissions (4):

Labcorp Genetics (formerly Invitae), Labcorp
Classification: Pathogenic. Last evaluated: 2026-01-05. Review status: criteria provided, single submitter. Criteria: Invitae Variant Classification Sherloc (09022015). Collection method: clinical testing. Allele origin: germline.
Comment: This sequence change replaces threonine, which is neutral and polar, with methionine, which is neutral and non-polar, at codon 217 of the SLC22A12 protein (p.Thr217Met). This variant is present in population databases (rs121907893, gnomAD 0.05%). This missense change has been observed in individual(s) with clinical features of hypouricemia (PMID: 12024214, 14694169, 23043931, 31591475, 39206069). In at least one individual the data is consistent with being in trans (on the opposite chromosome) from a pathogenic variant. ClinVar contains an entry for this variant (Variation ID: 3513). An algorithm developed to predict the effect of missense changes on protein structure and function (PolyPhen-2) suggests that this variant is likely to be disruptive. Experimental studies have shown that this missense change affects SLC22A12 function (PMID: 12024214). For these reasons, this variant has been classified as Pathogenic.

Fulgent Genetics
Classification: Likely pathogenic for Dalmatian hypouricemia. Last evaluated: 2024-01-30. Review status: criteria provided, single submitter. Criteria: ACMG Guidelines, 2015. Collection method: clinical testing. Allele origin: germline.

Juno Genomics, Hangzhou Juno Genomics, Inc
Classification: Likely pathogenic for Dalmatian hypouricemia. Review status: criteria provided, single submitter. Criteria: ACMG Guidelines, 2015. Collection method: clinical testing. Allele origin: germline.
Comment: Absent from controls (or at extremely low frequency if recessive) in Genome Aggregation Database.;For recessive disorders, detected in trans with a pathogenic variant.;Patient's phenotype or family history is highly specific for a disease with a single genetic etiology.;Well-established in vitro or in vivo functional studies supportive of a damaging effect on the gene or gene product.

OMIM
Classification: Pathogenic for HYPOURICEMIA, RENAL, 1. Last evaluated: 2002-05-23. Review status: no assertion criteria provided. Collection method: literature only. Allele origin: germline. Not counted in ClinVar's aggregate classification.

Literature cited by the submitters: PubMed 12024214 (cited by Labcorp Genetics (formerly Invitae), Labcorp and OMIM); PubMed 14694169 (cited by Labcorp Genetics (formerly Invitae), Labcorp); PubMed 23043931 (cited by Labcorp Genetics (formerly Invitae), Labcorp); PubMed 31591475 (cited by Labcorp Genetics (formerly Invitae), Labcorp); PubMed 39206069 (cited by Labcorp Genetics (formerly Invitae), Labcorp).